The following is an entry in ClinVar:

ClinVar aggregate classification (germline): Uncertain significance (1 of 4 stars; one submission).

Conditions:
Combined immunodeficiency due to DOCK8 deficiency (HIES2). Also called: Hyper-IgE recurrent infection syndrome, autosomal recessive; HYPER-IgE RECURRENT INFECTION SYNDROME 2, AUTOSOMAL RECESSIVE; HYPER-IgE SYNDROME 2, AUTOSOMAL RECESSIVE, WITH RECURRENT INFECTIONS; DOCK8 Deficiency; HIES autosomal recessive. Identifiers: Orphanet 217390, MedGen C4722305, MONDO:0009478, OMIM 243700.

Allele frequency attached by ClinVar (database versions not stated): gnomAD exomes below 0.00001; gnomAD 0.00001; TOPMed 0.00002.
gnomAD v4.1: 6 of 1,613,858 alleles (0.00037%); highest among the groups gnomAD compares: African/African-American, 0.0013%; no homozygotes.

Submission:

Labcorp Genetics (formerly Invitae), Labcorp
Classification: Uncertain significance for Combined immunodeficiency due to DOCK8 deficiency. Last evaluated: 2023-12-09. Review status: criteria provided, single submitter. Criteria: Invitae Variant Classification Sherloc (09022015). Collection method: clinical testing. Allele origin: germline.
Comment: This sequence change falls in intron 38 of the DOCK8 gene. It does not directly change the encoded amino acid sequence of the DOCK8 protein. It affects a nucleotide within the consensus splice site. This variant is not present in population databases (gnomAD no frequency). This variant has not been reported in the literature in individuals affected with DOCK8-related conditions. ClinVar contains an entry for this variant (Variation ID: 1450422). Variants that disrupt the consensus splice site are a relatively common cause of aberrant splicing (PMID: 17576681, 9536098). Algorithms developed to predict the effect of sequence changes on RNA splicing suggest that this variant is not likely to affect RNA splicing. In summary, the available evidence is currently insufficient to determine the role of this variant in disease. Therefore, it has been classified as a Variant of Uncertain Significance.

Literature cited by the submitters: PubMed 17576681; PubMed 9536098.

NM_203447.4(DOCK8):c.4887-3C>T

Gene: DOCK8 (dedicator of cytokinesis 8; plus strand). Cytogenetic location: 9p24.3.
Variant type: single nucleotide variant.
Coding change: c.4887-3C>T on transcript NM_203447.4 (MANE Select); 3 bases into the intron before coding-DNA position 4887, C replaced by T.
Molecular consequence: intron variant.
Genome position (GRCh38, 1-based): chr9:434,780, C>T. VCF-style: chr9-434780-C-T. GRCh37 (hg19) VCF-style: chr9-434780-C-T.
Other names: c.4683-3C>T (NM_001193536.2); c.4587-3C>T (NM_001190458.2).
Identifiers: ClinVar variation 1450422 (VCV001450422.6), dbSNP rs1400505317, ClinGen allele CA864557853.